The following is an entry in ClinVar:

ClinVar aggregate classification (germline): Uncertain significance (1 of 4 stars; one submission).

Submission:

Labcorp Genetics (formerly Invitae), Labcorp
Classification: Uncertain significance. Last evaluated: 2025-04-12. Review status: criteria provided, single submitter. Criteria: Invitae Variant Classification Sherloc (09022015). Collection method: clinical testing. Allele origin: germline.
Comment: This sequence change replaces alanine, which is neutral and non-polar, with valine, which is neutral and non-polar, at codon 2392 of the KMT2A protein (p.Ala2392Val). This variant is not present in population databases (gnomAD no frequency). This variant has not been reported in the literature in individuals affected with KMT2A-related conditions. Invitae Evidence Modeling of protein sequence and biophysical properties (such as structural, functional, and spatial information, amino acid conservation, physicochemical variation, residue mobility, and thermodynamic stability) indicates that this missense variant is not expected to disrupt KMT2A protein function with a negative predictive value of 95%. In summary, the available evidence is currently insufficient to determine the role of this variant in disease. Therefore, it has been classified as a Variant of Uncertain Significance.

NM_001197104.2(KMT2A):c.7175C>T (p.Ala2392Val)

Gene: KMT2A (lysine methyltransferase 2A; plus strand). Cytogenetic location: 11q23.3.
Variant type: single nucleotide variant.
Coding change: c.7175C>T on transcript NM_001197104.2 (MANE Select); coding-DNA position 7175, C replaced by T.
Protein change: p.Ala2392Val; replaces alanine 2392 with valine.
Molecular consequence: missense variant.
Genome position (GRCh38, 1-based): chr11:118,503,067, C>T. VCF-style: chr11-118503067-C-T. GRCh37 (hg19) VCF-style: chr11-118373782-C-T.
Other names: c.7265C>T, p.Ala2422Val (NM_001412597.1); c.7166C>T, p.Ala2389Val (NM_005933.4); short protein forms A2389V, A2392V, A2422V.
Identifiers: ClinVar variation 4800553 (VCV004800553.1).